The following is an entry in ClinVar:

ClinVar aggregate classification (germline): Uncertain significance (1 of 4 stars; one submission).

Conditions:
Neuropathy, hereditary sensory, type 1F. Also called: HSN IF; Hereditary sensory neuropathy type IF. Identifiers: Orphanet 36386, MedGen C3810194, MONDO:0014286, OMIM 615632.

gnomAD v4.1: 1 of 1,614,176 alleles (0.000062%); highest among the groups gnomAD compares: Middle Eastern, 0.016%; no homozygotes.

Submission:

Labcorp Genetics (formerly Invitae), Labcorp
Classification: Uncertain significance for Neuropathy, hereditary sensory, type 1F. Last evaluated: 2024-11-12. Review status: criteria provided, single submitter. Criteria: Invitae Variant Classification Sherloc (09022015). Collection method: clinical testing. Allele origin: germline.
Comment: This sequence change replaces arginine, which is basic and polar, with lysine, which is basic and polar, at codon 527 of the ATL3 protein (p.Arg527Lys). This variant is not present in population databases (gnomAD no frequency). This variant has not been reported in the literature in individuals affected with ATL3-related conditions. An algorithm developed to predict the effect of missense changes on protein structure and function (PolyPhen-2) suggests that this variant is likely to be tolerated. In summary, the available evidence is currently insufficient to determine the role of this variant in disease. Therefore, it has been classified as a Variant of Uncertain Significance.

NM_015459.5(ATL3):c.1580G>A (p.Arg527Lys)

Genes: ATL3 (atlastin GTPase 3; minus strand), LNCROPM (lncRNA regulator of PLAAT3 mediated phospholipid metabolism; plus strand). Cytogenetic location: 11q13.1.
Variant type: single nucleotide variant.
Coding change: c.1580G>A on transcript NM_015459.5 (MANE Select); coding-DNA position 1580, G replaced by A.
Protein change: p.Arg527Lys; replaces arginine 527 with lysine.
Molecular consequence: missense variant.
Genome position (GRCh38, 1-based): chr11:63,629,365, C>T on the plus strand (G>A on the coding strand, the complement: ATL3 is on the minus strand). VCF-style: chr11-63629365-C-T. GRCh37 (hg19) VCF-style: chr11-63396837-C-T.
Other names: c.1526G>A, p.Arg509Lys (NM_001290048.2); short protein forms R527K, R509K.
Identifiers: ClinVar variation 3701318 (VCV003701318.2).